The following is an entry in ClinVar:

NM_004304.5(ALK):c.337G>A (p.Gly113Ser)

Gene: ALK (ALK receptor tyrosine kinase; minus strand). Cytogenetic location: 2p23.1.
Variant type: single nucleotide variant.
Coding change: c.337G>A on transcript NM_004304.5 (MANE Select); coding-DNA position 337, G replaced by A.
Protein change: p.Gly113Ser; replaces glycine 113 with serine.
Molecular consequence: missense variant.
Genome position (GRCh38, 1-based): chr2:29,920,323, C>T on the plus strand (G>A on the coding strand, the complement: ALK is on the minus strand). VCF-style: chr2-29920323-C-T. GRCh37 (hg19) VCF-style: chr2-30143189-C-T.
Other names: c.337G>A (NM_004304.4); short protein forms G113S.
Identifiers: ClinVar variation 1393067 (VCV001393067.9), dbSNP rs748952373, ClinGen allele CA45004769.

ClinVar aggregate classification (germline): Conflicting classifications of pathogenicity. Review status: criteria provided, conflicting classifications (1 of 4 stars). 2 submissions from 2 submitters: Uncertain significance (1); Likely benign (1). Last evaluated 2026-01-30.

Conditions:
Hereditary cancer-predisposing syndrome. Also called: Hereditary neoplastic syndrome; Tumor predisposition; Neoplastic Syndromes, Hereditary; Hereditary Cancer Syndrome. Identifiers: Orphanet 140162, MedGen C0027672, MeSH D009386, MONDO:0015356.
Neuroblastoma, susceptibility to, 3. Also called: ALK-Related Neuroblastic Tumor Susceptibility. Identifiers: Orphanet 635, MedGen C2751681, MONDO:0013083, OMIM 613014.

gnomAD v4.1: 5 of 1,554,672 alleles (0.00032%); highest among the groups gnomAD compares: Non-Finnish European, 0.00026%; no homozygotes.

Submissions (2):

Ambry Genetics
Classification: Likely benign for Hereditary cancer-predisposing syndrome. Last evaluated: 2026-01-30. Review status: criteria provided, single submitter. Criteria: Ambry Variant Classification Scheme 2023. Collection method: clinical testing. Allele origin: germline.

Labcorp Genetics (formerly Invitae), Labcorp
Classification: Uncertain significance for Neuroblastoma, susceptibility to, 3. Last evaluated: 2025-03-07. Review status: criteria provided, single submitter. Criteria: Invitae Variant Classification Sherloc (09022015). Collection method: clinical testing. Allele origin: germline.
Comment: This sequence change replaces glycine, which is neutral and non-polar, with serine, which is neutral and polar, at codon 113 of the ALK protein (p.Gly113Ser). This variant is not present in population databases (gnomAD no frequency). This variant has not been reported in the literature in individuals affected with ALK-related conditions. ClinVar contains an entry for this variant (Variation ID: 1393067). An algorithm developed to predict the effect of missense changes on protein structure and function outputs the following: PolyPhen-2: "Benign". The serine amino acid residue is found in multiple mammalian species, which suggests that this missense change does not adversely affect protein function. In summary, the available evidence is currently insufficient to determine the role of this variant in disease. Therefore, it has been classified as a Variant of Uncertain Significance.